The following is an entry in ClinVar:

NM_003482.4(KMT2D):c.7188_7189delinsCT (p.Ala2397Ser)

Gene: KMT2D (lysine methyltransferase 2D; minus strand). Cytogenetic location: 12q13.12.
Variant type: Indel.
Coding change: c.7188_7189delinsCT on transcript NM_003482.4 (MANE Select); coding-DNA positions 7188 to 7189, TG replaced by CT.
Protein change: p.Ala2397Ser; replaces alanine 2397 with serine.
Molecular consequence: missense variant.
Genome position (GRCh38, 1-based): chr12:49,040,581-49,040,582, CA replaced by AG on the plus strand (TG replaced by CT on the coding strand, the reverse complement: KMT2D is on the minus strand). VCF-style: chr12-49040581-CA-AG. GRCh37 (hg19) VCF-style: chr12-49434364-CA-AG.
Other names: short protein forms A2397S.
Identifiers: ClinVar variation 3707232 (VCV003707232.2).

ClinVar aggregate classification (germline): Uncertain significance (1 of 4 stars; one submission).

Conditions:
Kabuki syndrome. Also called: Kabuki make-up syndrome; NIIKAWA-KUROKI SYNDROME. Identifiers: Orphanet 2322, MedGen C0796004, MONDO:0016512.

Submission:

Labcorp Genetics (formerly Invitae), Labcorp
Classification: Uncertain significance for Kabuki syndrome. Last evaluated: 2025-06-16. Review status: criteria provided, single submitter. Criteria: Invitae Variant Classification Sherloc (09022015). Collection method: clinical testing. Allele origin: germline.
Comment: This sequence change replaces alanine, which is neutral and non-polar, with serine, which is neutral and polar, at codon 2397 of the KMT2D protein (p.Ala2397Ser). Information on the frequency of this variant in the gnomAD database is not available, as this variant may be reported differently in the database. This variant has not been reported in the literature in individuals affected with KMT2D-related conditions. ClinVar contains an entry for this variant (Variation ID: 3707232). Experimental studies and prediction algorithms are not available or were not evaluated, and the functional significance of this variant is currently unknown. In summary, the available evidence is currently insufficient to determine the role of this variant in disease. Therefore, it has been classified as a Variant of Uncertain Significance.